The following is an entry in ClinVar:

NM_002353.3(TACSTD2):c.369G>C (p.Ser123=)

Gene: TACSTD2 (tumor associated calcium signal transducer 2; minus strand). Cytogenetic location: 1p32.1.
Variant type: single nucleotide variant.
Coding change: c.369G>C on transcript NM_002353.3 (MANE Select); coding-DNA position 369, G replaced by C.
Protein change: p.Ser123=; no amino-acid change (serine 123 retained).
Molecular consequence: synonymous variant.
Genome position (GRCh38, 1-based): chr1:58,576,788, C>G on the plus strand (G>C on the coding strand, the complement: TACSTD2 is on the minus strand). VCF-style: chr1-58576788-C-G. GRCh37 (hg19) VCF-style: chr1-59042460-C-G.
Other names: c.369G>C (NM_002353.2).
Identifiers: ClinVar variation 2719158 (VCV002719158.5), dbSNP rs766747165, ClinGen allele CA877443.

ClinVar aggregate classification (germline): Likely benign. Review status: criteria provided, single submitter (1 of 4 stars). 2 submissions from 2 submitters: Likely benign (1). 1 of the submissions does not count toward it. Last evaluated 2022-11-15.

Conditions:
TACSTD2-related disorder. Also called: TACSTD2-related condition.

Allele frequency attached by ClinVar (database versions not stated): gnomAD exomes 0.00004; TOPMed 0.00004; ExAC 0.00007.

Submissions (2):

Labcorp Genetics (formerly Invitae), Labcorp
Classification: Likely benign. Last evaluated: 2022-11-15. Review status: criteria provided, single submitter. Criteria: Invitae Variant Classification Sherloc (09022015). Collection method: clinical testing. Allele origin: germline.

PreventionGenetics, part of Exact Sciences
Classification: Likely benign for TACSTD2-related condition. Last evaluated: 2020-01-20. Review status: no assertion criteria provided. Collection method: clinical testing. Allele origin: germline. Not counted in ClinVar's aggregate classification.
Comment: This variant is classified as likely benign based on ACMG/AMP sequence variant interpretation guidelines (Richards et al. 2015 PMID: 25741868, with internal and published modifications).